The following is an entry in ClinVar:

NM_001134831.2(AHI1):c.1578C>A (p.Tyr526Ter)

Gene: AHI1 (Abelson helper integration site 1; minus strand). Cytogenetic location: 6q23.3.
Variant type: single nucleotide variant.
Coding change: c.1578C>A on transcript NM_001134831.2 (MANE Select); coding-DNA position 1578, C replaced by A.
Protein change: p.Tyr526Ter; replaces tyrosine 526 with a stop codon.
Molecular consequence: nonsense.
Genome position (GRCh38, 1-based): chr6:135,448,338, G>T on the plus strand (C>A on the coding strand, the complement: AHI1 is on the minus strand). VCF-style: chr6-135448338-G-T. GRCh37 (hg19) VCF-style: chr6-135769476-G-T.
Other names: c.1578C>A, p.Tyr526Ter (NM_001134830.2, NM_001134832.2, NM_001350503.2 and 2 more transcripts); short protein forms Y526*.
Identifiers: ClinVar variation 5015334 (VCV005015334.1).

ClinVar aggregate classification (germline): Pathogenic (1 of 4 stars; one submission).

Conditions:
Joubert syndrome 3 (JBTS3). Also called: AHI1-related Ciliopathy. Identifiers: Orphanet 220493, MedGen C1837713, MONDO:0012078, OMIM 608629.

Submission:

Myriad Genetics, Inc.
Classification: Pathogenic for Joubert syndrome 3. Last evaluated: 2025-12-17. Review status: criteria provided, single submitter. Criteria: Myriad Autosomal Dominant, Autosomal Recessive and X-Linked Classification Criteria (2023). Collection method: clinical testing. Allele origin: unknown.
Comment: NM_001134831.1(AHI1):c.1578C>A(Y526*) is expected to be pathogenic in the context of Joubert syndrome, AHI1-related. This variant is predicted to lead to an abnormal or absent protein product due to the creation of a premature termination codon in AHI1, a gene where loss-of-function variants are known to be pathogenic. Please note: this variant was assessed in the context of healthy population screening.